The following is an entry in ClinVar:

NM_001330691.3(CEP78):c.58G>A (p.Glu20Lys)

Gene: CEP78 (centrosomal protein 78; plus strand). Cytogenetic location: 9q21.2.
Variant type: single nucleotide variant.
Coding change: c.58G>A on transcript NM_001330691.3 (MANE Select); coding-DNA position 58, G replaced by A.
Protein change: p.Glu20Lys; replaces glutamic acid 20 with lysine.
Molecular consequence: missense variant.
Genome position (GRCh38, 1-based): chr9:78,236,408, G>A. VCF-style: chr9-78236408-G-A. GRCh37 (hg19) VCF-style: chr9-80851324-G-A.
Other names: c.58G>A, p.Glu20Lys (NM_001098802.3, NM_001330693.3, NM_001330694.2 and 4 more transcripts); short protein forms E20K.
Identifiers: ClinVar variation 2094692 (VCV002094692.4), dbSNP rs1825933906, ClinGen allele CA373999178.
Genomic context (GRCh38, chr9:78,236,408, plus strand): 5'-GCCATGATCGACTCCGTGAAGCTGCGCCGCGACAGCGCGGCGGACTTCTTCTCCCACTAC[G>A]AGTACCTGTGCGCGCTGCAGAACTCGGTGCCGCTGCCCGCCGTGCGCGCCTGTCTCCGGG-3'
Protein context (NP_001317620.1, residues 10-30): DSAADFFSHY[Glu20Lys]YLCALQNSVP

ClinVar aggregate classification (germline): Uncertain significance (1 of 4 stars; one submission).

Submission:

Labcorp Genetics (formerly Invitae), Labcorp
Classification: Uncertain significance. Last evaluated: 2022-04-28. Review status: criteria provided, single submitter. Criteria: Invitae Variant Classification Sherloc (09022015). Collection method: clinical testing. Allele origin: germline.
Comment: In summary, the available evidence is currently insufficient to determine the role of this variant in disease. Therefore, it has been classified as a Variant of Uncertain Significance. Algorithms developed to predict the effect of missense changes on protein structure and function are either unavailable or do not agree on the potential impact of this missense change (SIFT: "Tolerated"; PolyPhen-2: "Probably Damaging"; Align-GVGD: "Class C0"). This variant has not been reported in the literature in individuals affected with CEP78-related conditions. This variant is not present in population databases (gnomAD no frequency). This sequence change replaces glutamic acid, which is acidic and polar, with lysine, which is basic and polar, at codon 20 of the CEP78 protein (p.Glu20Lys).